The following is an entry in ClinVar:

NM_007294.4(BRCA1):c.5297T>C (p.Ile1766Thr)

Gene: BRCA1 (BRCA1 DNA repair associated; minus strand). Cytogenetic location: 17q21.31.
Variant type: single nucleotide variant.
Coding change: c.5297T>C on transcript NM_007294.4 (MANE Select); coding-DNA position 5297, T replaced by C.
Protein change: p.Ile1766Thr; replaces isoleucine 1766 with threonine.
Molecular consequence: missense variant. On other transcripts: non-coding transcript variant (1).
Genome position (GRCh38, 1-based): chr17:43,051,098, A>G on the plus strand (T>C on the coding strand, the complement: BRCA1 is on the minus strand). VCF-style: chr17-43051098-A-G. GRCh37 (hg19) VCF-style: chr17-41203115-A-G.
Other names: c.5084T>C, p.Ile1695Thr (NM_001407571.1, NM_001407894.1, NM_001407895.1 and 12 more transcripts); c.5363T>C, p.Ile1788Thr (NM_001407581.1, NM_001407582.1); c.5360T>C, p.Ile1787Thr (NM_001407583.1, NM_001407585.1, NM_001407587.1 and 1 more transcripts); c.5357T>C, p.Ile1786Thr (NM_001407590.1, NM_001407591.1); c.5297T>C, p.Ile1766Thr (NM_001407593.1, NM_001407594.1, NM_001407596.1 and 6 more transcripts); c.5294T>C, p.Ile1765Thr (NM_001407610.1, NM_001407611.1, NM_001407622.1 and 17 more transcripts); c.5291T>C, p.Ile1764Thr (NM_001407627.1, NM_001407628.1, NM_001407629.1 and 14 more transcripts); c.5288T>C, p.Ile1763Thr (NM_001407644.1, NM_001407645.1); and 72 more; short protein forms I662T, I1766T, I1719T, I1787T, I1470T, I1597T, I1638T, I1639T.
Identifiers: ClinVar variation 867965 (VCV000867965.6), dbSNP rs80357463, ClinGen allele CA10590954.

ClinVar aggregate classification (germline): Likely pathogenic (1 of 4 stars; one submission).

Conditions:
Hereditary breast ovarian cancer syndrome. Also called: Hereditary breast and ovarian cancer; Hereditary breast and ovarian cancer syndrome (HBOC); Breast and ovarian cancer; Hereditary breast and/or ovarian cancer syndrome; BRCA1- and BRCA2-Associated Hereditary Breast and Ovarian Cancer; Hereditary breast and ovarian cancer syndrome. Identifiers: Orphanet 145, MedGen C0677776, MeSH D061325, MONDO:0003582. Disease mechanism: loss of function.

Submissions (2):

Labcorp Genetics (formerly Invitae), Labcorp
Classification: Likely pathogenic for Hereditary breast ovarian cancer syndrome. Last evaluated: 2023-07-24. Review status: criteria provided, single submitter. Criteria: Invitae Variant Classification Sherloc (09022015). Collection method: clinical testing. Allele origin: germline.
Comment: This missense change has been observed in individual(s) with ovarian cancer (PMID: 28692638). In summary, the currently available evidence indicates that the variant is pathogenic, but additional data are needed to prove that conclusively. Therefore, this variant has been classified as Likely Pathogenic. This variant disrupts the p.Ile1766 amino acid residue in BRCA1. Other variant(s) that disrupt this residue have been determined to be pathogenic (PMID: 14534301, 16528612, 17305420, 17308087, 18680205, 19493677, 20516115, 30765603). This suggests that this residue is clinically significant, and that variants that disrupt this residue are likely to be disease-causing. Experimental studies have shown that this missense change affects BRCA1 function (PMID: 30209399). Advanced modeling performed at Invitae incorporating data from internal and/or published experimental studies (PMID: 30209399) indicates that this missense variant is expected to disrupt BRCA1 function. ClinVar contains an entry for this variant (Variation ID: 867965). This variant is not present in population databases (gnomAD no frequency). This sequence change replaces isoleucine, which is neutral and non-polar, with threonine, which is neutral and polar, at codon 1766 of the BRCA1 protein (p.Ile1766Thr).

Brotman Baty Institute, University of Washington
No classification provided (evidence only). Condition: Breast-ovarian cancer, familial 1. Review status: no classification provided. Collection method: in vitro. Allele origin: not applicable. Functional consequence: functionally_abnormal. Not counted in ClinVar's aggregate classification.
ClinVar note: "not provided" was previously submitted as the classification for the variant. However, the classification appeared to be based only on an observation of functional data so it was converted to no classification on 2025-07-30.

Literature cited by the submitters: PubMed 28692638 (cited by Labcorp Genetics (formerly Invitae), Labcorp); PubMed 14534301 (cited by Labcorp Genetics (formerly Invitae), Labcorp); PubMed 16528612 (cited by Labcorp Genetics (formerly Invitae), Labcorp); PubMed 17305420 (cited by Labcorp Genetics (formerly Invitae), Labcorp); PubMed 17308087 (cited by Labcorp Genetics (formerly Invitae), Labcorp); PubMed 18680205 (cited by Labcorp Genetics (formerly Invitae), Labcorp); PubMed 19493677 (cited by Labcorp Genetics (formerly Invitae), Labcorp); PubMed 20516115 (cited by Labcorp Genetics (formerly Invitae), Labcorp); PubMed 30765603 (cited by Labcorp Genetics (formerly Invitae), Labcorp); PubMed 30209399 (cited by Labcorp Genetics (formerly Invitae), Labcorp).